The following is an entry in ClinVar:

ClinVar aggregate classification (germline): Uncertain significance. Review status: criteria provided, multiple submitters, no conflicts (2 of 4 stars). 2 submissions from 2 submitters: Uncertain significance (2). Last evaluated 2024-10-08.

Submissions (2):

GeneDx
Classification: Uncertain significance. Last evaluated: 2024-10-08. Review status: criteria provided, single submitter. Criteria: GeneDx Variant Classification Process June 2021. Collection method: clinical testing. Allele origin: germline. Affected: yes.
Comment: Reported in a newborn with congenital lymphedema; the variant was inherited from the similarly affected father (Wei Y et al. (2020) J Clin Pediatr. 38 (11):857); Not observed at significant frequency in large population cohorts (gnomAD); In silico analysis supports that this missense variant has a deleterious effect on protein structure/function; This variant is associated with the following publications: (PMID: Wei2020[articleinChinese])

Blueprint Genetics
Classification: Uncertain significance. Last evaluated: 2021-10-25. Review status: criteria provided, single submitter. Criteria: ACMG Guidelines, 2015. Collection method: clinical testing. Allele origin: germline.

NM_182925.5(FLT4):c.3820G>A (p.Asp1274Asn)

Gene: FLT4 (fms related receptor tyrosine kinase 4; minus strand). Cytogenetic location: 5q35.3.
Variant type: single nucleotide variant.
Coding change: c.3820G>A on transcript NM_182925.5 (MANE Select); coding-DNA position 3820, G replaced by A.
Protein change: p.Asp1274Asn; replaces aspartic acid 1274 with asparagine.
Molecular consequence: missense variant.
Genome position (GRCh38, 1-based): chr5:180,609,041, C>T on the plus strand (G>A on the coding strand, the complement: FLT4 is on the minus strand). VCF-style: chr5-180609041-C-T. GRCh37 (hg19) VCF-style: chr5-180036041-C-T.
Other names: c.3820G>A, p.Asp1274Asn (NM_001354989.2, NM_002020.5); short protein forms D1274N.
Identifiers: ClinVar variation 3777635 (VCV003777635.2).